The following is an entry in ClinVar:

NM_000533.5(PLP1):c.453+7A>G

Genes: PLP1 (proteolipid protein 1; plus strand), RAB9B (RAB9B, member RAS oncogene family; minus strand). Cytogenetic location: Xq22.2.
Variant type: single nucleotide variant.
Coding change: c.453+7A>G on transcript NM_000533.5 (MANE Select); 7 bases into the intron after coding-DNA position 453, A replaced by G.
Molecular consequence: intron variant.
Genome position (GRCh38, 1-based): chrX:103,786,733, A>G. VCF-style: chrX-103786733-A-G. GRCh37 (hg19) VCF-style: chrX-103041662-A-G.
Other names: c.453+7A>G (NM_001128834.3); c.348+112A>G (NM_199478.3); c.288+7A>G (NM_001305004.1).
Identifiers: ClinVar variation 3255428 (VCV003255428.2), dbSNP rs2522308828.

ClinVar aggregate classification (germline): Uncertain significance (1 of 4 stars; one submission).

Conditions:
Pelizaeus-Merzbacher disease. Also called: LEUKODYSTROPHY, HYPOMYELINATING, 1; Sudanophilic leukodystrophy; Pelizaeus-Merzbacher spectrum disorder; Pelizaeus-Merzbacher Disease (PMD); Pelizeaus-Merzbacher spectrum disorder. Identifiers: Orphanet 702, MedGen C0205711, MONDO:0010714, OMIM 312080, HP:0003269.

Submission:

Molecular Diagnostics Lab, Nemours Children's Health, Delaware
Classification: Uncertain significance for Pelizaeus-Merzbacher disease. Last evaluated: 2021-12-10. Review status: criteria provided, single submitter. Criteria: ACMG Guidelines, 2015. Collection method: clinical testing. Allele origin: unknown. Inheritance: X-linked inheritance. Affected: yes. Observed: 1 hemizygote.
Comment: This intronic variant (c.453+7A>G) has not been observed in population databases (gnomAD). It has been described in the literature, but functional studies have not been published (PMID 15712223).

Literature cited by the submitters: PubMed 15712223.